The following is an entry in ClinVar:

NM_000059.4(BRCA2):c.5430T>C (p.Val1810=)

Gene: BRCA2 (BRCA2 DNA repair associated; plus strand). Cytogenetic location: 13q13.1.
Variant type: single nucleotide variant.
Coding change: c.5430T>C on transcript NM_000059.4 (MANE Select); coding-DNA position 5430, T replaced by C.
Protein change: p.Val1810=; no amino-acid change (valine 1810 retained).
Molecular consequence: synonymous variant.
Genome position (GRCh38, 1-based): chr13:32,339,785, T>C. VCF-style: chr13-32339785-T-C. GRCh37 (hg19) VCF-style: chr13-32913922-T-C.
Identifiers: ClinVar variation 415631 (VCV000415631.35), dbSNP rs1060504596, ClinGen allele CA16613893.

ClinVar aggregate classification (germline): Likely benign. Review status: criteria provided, multiple submitters, no conflicts (2 of 4 stars). 3 submissions from 3 submitters: Likely benign (3). Last evaluated 2022-09-01.

Conditions:
Hereditary cancer-predisposing syndrome. Also called: Tumor predisposition; Hereditary neoplastic syndrome; Hereditary Cancer Syndrome; Neoplastic Syndromes, Hereditary. Identifiers: Orphanet 140162, MedGen C0027672, MeSH D009386, MONDO:0015356.
Hereditary breast ovarian cancer syndrome. Also called: Hereditary breast and ovarian cancer syndrome; BRCA1- and BRCA2-Associated Hereditary Breast and Ovarian Cancer; Hereditary breast and/or ovarian cancer syndrome; Hereditary breast and ovarian cancer syndrome (HBOC); Breast and ovarian cancer; Hereditary breast and ovarian cancer. Identifiers: Orphanet 145, MedGen C0677776, MeSH D061325, MONDO:0003582. Disease mechanism: loss of function.

Submissions (3):

CeGaT Center for Human Genetics Tuebingen
Classification: Likely benign. Last evaluated: 2022-09-01. Review status: criteria provided, single submitter. Criteria: CeGaT Center For Human Genetics Tuebingen Variant Classification Criteria Version 2. Collection method: clinical testing. Allele origin: germline. Affected: yes. Observed: 1 variant allele.
Comment: BRCA2: PM2:Supporting, BP4, BP7

Ambry Genetics
Classification: Likely benign for Hereditary cancer-predisposing syndrome. Last evaluated: 2021-08-28. Review status: criteria provided, single submitter. Criteria: Ambry Variant Classification Scheme 2023. Collection method: clinical testing. Allele origin: germline.

Labcorp Genetics (formerly Invitae), Labcorp
Classification: Likely benign for Hereditary breast ovarian cancer syndrome. Last evaluated: 2017-05-13. Review status: criteria provided, single submitter. Criteria: Invitae Variant Classification Sherloc (09022015). Collection method: clinical testing. Allele origin: germline.